The following is an entry in ClinVar:

ClinVar aggregate classification (germline): Benign (1 of 4 stars; one submission).

Allele frequency attached by ClinVar (database versions not stated): gnomAD 0.19211; 1000 Genomes Project 30x 0.21908; TOPMed 0.19479; 1000 Genomes Project 0.22165.
gnomAD v4.1: 30,346 of 151,992 alleles (20%); highest among the groups gnomAD compares: East Asian, 33%; 3,541 homozygotes.

Submission:

GeneDx
Classification: Benign. Last evaluated: 2018-06-14. Review status: criteria provided, single submitter. Criteria: GeneDx Variant Classification (06012015). Collection method: clinical testing. Allele origin: germline. Affected: yes.
Comment: This variant is considered likely benign or benign based on one or more of the following criteria: it is a conservative change, it occurs at a poorly conserved position in the protein, it is predicted to be benign by multiple in silico algorithms, and/or has population frequency not consistent with disease.

NM_015404.4(WHRN):c.1698+292G>T

Gene: WHRN (whirlin; minus strand). Cytogenetic location: 9q32.
Variant type: single nucleotide variant.
Coding change: c.1698+292G>T on transcript NM_015404.4 (MANE Select); 292 bases into the intron after coding-DNA position 1698, G replaced by T.
Molecular consequence: intron variant.
Genome position (GRCh38, 1-based): chr9:114,407,655, C>A on the plus strand (G>T on the coding strand, the complement: WHRN is on the minus strand). VCF-style: chr9-114407655-C-A. GRCh37 (hg19) VCF-style: chr9-117169935-C-A.
Other names: c.1698+292G>T (NM_001173425.2); c.549+292G>T (NM_001083885.3); c.645+292G>T (NM_001346890.1).
Identifiers: ClinVar variation 671523 (VCV000671523.1), dbSNP rs10982201, ClinGen allele CA13101022.